The following is an entry in ClinVar:

NM_000824.5(GLRB):c.52G>A (p.Glu18Lys)

Gene: GLRB (glycine receptor beta; plus strand). Cytogenetic location: 4q32.1.
Variant type: single nucleotide variant.
Coding change: c.52G>A on transcript NM_000824.5 (MANE Select); coding-DNA position 52, G replaced by A.
Protein change: p.Glu18Lys; replaces glutamic acid 18 with lysine.
Molecular consequence: missense variant.
Genome position (GRCh38, 1-based): chr4:157,078,076, G>A. VCF-style: chr4-157078076-G-A. GRCh37 (hg19) VCF-style: chr4-157999228-G-A.
Other names: c.52G>A, p.Glu18Lys (NM_001166060.2, NM_001166061.2); short protein forms E18K.
Identifiers: ClinVar variation 1356579 (VCV001356579.7), dbSNP rs547823780, ClinGen allele CA3119641.

ClinVar aggregate classification (germline): Uncertain significance. Review status: criteria provided, multiple submitters, no conflicts (2 of 4 stars). 2 submissions from 2 submitters: Uncertain significance (2). Last evaluated 2024-06-19.

Conditions:
Hyperekplexia 2 (HKPX2). Identifiers: Orphanet 3197, MedGen C3553291, MONDO:0013828, OMIM 614619.

Allele frequency attached by ClinVar (database versions not stated): gnomAD exomes 0.00005 and 0.00007; gnomAD 0.00006 and 0.00007; ExAC 0.00007; TOPMed 0.00008; 1000 Genomes Project 30x 0.00047; 1000 Genomes Project 0.00060.
gnomAD v4.1: 80 of 1,611,038 alleles (0.005%); highest among the groups gnomAD compares: African/African-American, 0.02%; no homozygotes.

Submissions (3):

Blueprint Genetics
Classification: Uncertain significance. Last evaluated: 2024-06-19. Review status: criteria provided, single submitter. Criteria: ACMG Guidelines, 2015. Collection method: clinical testing. Allele origin: germline.

Labcorp Genetics (formerly Invitae), Labcorp
Classification: Uncertain significance for Hyperekplexia 2. Last evaluated: 2022-09-12. Review status: criteria provided, single submitter. Criteria: Invitae Variant Classification Sherloc (09022015). Collection method: clinical testing. Allele origin: germline.
Comment: This sequence change replaces glutamic acid, which is acidic and polar, with lysine, which is basic and polar, at codon 18 of the GLRB protein (p.Glu18Lys). This variant is present in population databases (rs547823780, gnomAD 0.03%). This variant has not been reported in the literature in individuals affected with GLRB-related conditions. ClinVar contains an entry for this variant (Variation ID: 1356579). Advanced modeling of protein sequence and biophysical properties (such as structural, functional, and spatial information, amino acid conservation, physicochemical variation, residue mobility, and thermodynamic stability) performed at Invitae indicates that this missense variant is not expected to disrupt GLRB protein function. In summary, the available evidence is currently insufficient to determine the role of this variant in disease. Therefore, it has been classified as a Variant of Uncertain Significance.

Dr. Peter K. Rogan Lab, Western University
No classification provided (evidence only). Condition: Thymoma. Review status: no classification provided. Collection method: in vitro. Allele origin: not applicable. Functional consequence: retained intron. Not counted in ClinVar's aggregate classification.